The following is an entry in ClinVar:

ClinVar aggregate classification (germline): Uncertain significance (1 of 4 stars; one submission).

Submission:

Labcorp Genetics (formerly Invitae), Labcorp
Classification: Uncertain significance. Last evaluated: 2023-08-01. Review status: criteria provided, single submitter. Criteria: Invitae Variant Classification Sherloc (09022015). Collection method: clinical testing. Allele origin: germline.
Comment: This sequence change replaces serine, which is neutral and polar, with proline, which is neutral and non-polar, at codon 317 of the ASNS protein (p.Ser317Pro). In summary, the available evidence is currently insufficient to determine the role of this variant in disease. Therefore, it has been classified as a Variant of Uncertain Significance. Advanced modeling of protein sequence and biophysical properties (such as structural, functional, and spatial information, amino acid conservation, physicochemical variation, residue mobility, and thermodynamic stability) performed at Invitae indicates that this missense variant is not expected to disrupt ASNS protein function. This variant has not been reported in the literature in individuals affected with ASNS-related conditions. This variant is not present in population databases (gnomAD no frequency).

NM_001673.5(ASNS):c.949T>C (p.Ser317Pro)

Genes: ASNS (asparagine synthetase (glutamine-hydrolyzing); minus strand), CZ1P-ASNS (CZ1P-ASNS readthrough; minus strand). Cytogenetic location: 7q21.3.
Variant type: single nucleotide variant.
Coding change: c.949T>C on transcript NM_001673.5 (MANE Select); coding-DNA position 949, T replaced by C.
Protein change: p.Ser317Pro; replaces serine 317 with proline.
Molecular consequence: missense variant. On other transcripts: non-coding transcript variant (1).
Genome position (GRCh38, 1-based): chr7:97,856,771, A>G on the plus strand (T>C on the coding strand, the complement: ASNS is on the minus strand). VCF-style: chr7-97856771-A-G. GRCh37 (hg19) VCF-style: chr7-97486083-A-G.
Other names: c.886T>C, p.Ser296Pro (NM_001178075.2); c.700T>C, p.Ser234Pro (NM_001178076.2, NM_001178077.1); c.949T>C, p.Ser317Pro (NM_001352496.2, NM_133436.3, NM_183356.4); short protein forms S234P, S296P, S317P.
Identifiers: ClinVar variation 2749106 (VCV002749106.3), dbSNP rs748775359, ClinGen allele CA368267005.
Genomic context (GRCh38, chr7:97,856,771, plus strand): 5'-TAATGTCATAAGTTTCCAAGGAAAATATGACTTCATCCAGAGCCTGAATGCCTTCCTCAG[A>G]GTTAAAAAGGACTTCATAATGTTCACTTCCAATATGATCTGCCACCTTATTATATAAAGA-3'
Protein context (NP_001664.3, residues 307-327): GSEHYEVLFN[Ser317Pro]EEGIQALDEV